The following is an entry in ClinVar:

ClinVar aggregate classification (germline): Pathogenic/Likely pathogenic. Review status: criteria provided, multiple submitters, no conflicts (2 of 4 stars). 2 submissions from 2 submitters: Pathogenic (1); Likely pathogenic (1). Last evaluated 2026-07-15.

Conditions:
Hereditary spastic paraplegia 11. Also called: SPASTIC PARAPLEGIA, AUTOSOMAL RECESSIVE, COMPLICATED, WITH THIN CORPUS CALLOSUM; SPASTIC PARAPLEGIA, AUTOSOMAL RECESSIVE, WITH MENTAL IMPAIRMENT AND THIN CORPUS CALLOSUM; Spastic Paraplegia 11; Nakamura Osame syndrome; Autosomal recessive hereditary spastic paraplegia, mental impairment, and thin corpus callosum; Spastic paraplegia, mental retardation and thin corpus callosum. Identifiers: Orphanet 2822, MedGen C1858479, MONDO:0011445, OMIM 604360.

Submissions (2):

Institute of Human Genetics, University of Leipzig Medical Center
Classification: Pathogenic for Hereditary spastic paraplegia 11. Last evaluated: 2026-07-15. Review status: criteria provided, single submitter. Criteria: ACMG Guidelines, 2015. Collection method: clinical testing. Allele origin: unknown. Inheritance: Autosomal recessive inheritance. Affected: yes.
Comment: Criteria applied: PVS1,PM2,PM3_SUP

Victorian Clinical Genetics Services, Murdoch Childrens Research Institute
Classification: Likely pathogenic for Hereditary spastic paraplegia 11. Last evaluated: 2024-10-08. Review status: criteria provided, single submitter. Criteria: ACMG Guidelines, 2015. Collection method: clinical testing. Allele origin: germline. Inheritance: Autosomal recessive inheritance. Affected: yes.
Comment: Based on the classification scheme VCGS_Germline_v1.3.4, this variant is classified as Likely pathogenic. Following criteria are met: 0102 - Loss of function is a known mechanism of disease in this gene and is associated with hereditary spastic paraplegia 11 (HSP; MONDO#0011445). (I) 0106 - This gene is associated with autosomal recessive disease. (I) 0211 - Canonical splice site variant without proven consequence on splicing (no functional evidence available). This variant spans the exon-intron boundary and may result in a frameshift if canonical splicing occurs. (SP) 0252 - This variant is homozygous. (I) 0301 - Variant is absent from gnomAD (both v2 and v3). (SP) 0505 - Abnormal splicing is predicted by in silico tools and affected nucleotide is highly conserved. (SP) 0705 - No comparable splice variants have previous evidence for pathogenicity. (I) 0807 - This variant has no previous evidence of pathogenicity. (I) 0905 - No published segregation evidence has been identified for this variant. (I) 1007 - No published functional evidence has been identified for this variant. (I) 1208 - Inheritance information for this variant is not currently available in this individual. (I) Legend: (SP) - Supporting pathogenic, (I) - Information, (SB) - Supporting benign

NM_025137.4(SPG11):c.3037_3038+8del

Gene: SPG11 (SPG11 vesicle trafficking associated, spatacsin; minus strand). Cytogenetic location: 15q21.1.
Variant type: Deletion.
Coding change: c.3037_3038+8del on transcript NM_025137.4 (MANE Select); coding-DNA position 3037 through 8 bases into the intron after coding-DNA position 3038, 10 bases deleted (AAGTGAGTAC; older notation c.3037_3038+8delAAGTGAGTAC).
Molecular consequence: splice donor variant.
Genome position (GRCh38, 1-based): chr15:44,615,355-44,615,364, GTACTCACTT deleted on the plus strand (AAGTGAGTAC on the coding strand, the reverse complement: SPG11 is on the minus strand); deleting any 10 consecutive bases within chr15:44,615,355-44,615,367 gives the same sequence; the c. name uses the placement nearest the transcript's 3' end. VCF-style (leftmost placement, unchanged base first): chr15-44615354-AGTACTCACTT-A. GRCh37 (hg19) VCF-style: chr15-44907552-AGTACTCACTT-A.
Other names: c.3037_3038+8del (NM_001160227.2).
Identifiers: ClinVar variation 1805652 (VCV001805652.4), dbSNP rs2505512094, ClinGen allele CA1139532807.
Genomic context (GRCh38, chr15:44,615,354, plus strand): 5'-ATTCAGGAGTCATATGCAAAGAGAAAATGTGAAGACCTGCTCAAGGACAAATGCATTCTC[AGTACTCACTT>A]GTAACAGTCAAGGTAGACATAAAGAAGATGCTGCAGACTGTGCTCCAAACAATAGAGAAT-3'